The following is an entry in ClinVar:

NM_138694.4(PKHD1):c.3577C>T (p.Gln1193Ter)

Gene: PKHD1 (PKHD1 ciliary IPT domain containing fibrocystin/polyductin; minus strand). Cytogenetic location: 6p12.2.
Variant type: single nucleotide variant.
Coding change: c.3577C>T on transcript NM_138694.4 (MANE Select); coding-DNA position 3577, C replaced by T.
Protein change: p.Gln1193Ter; replaces glutamine 1193 with a stop codon.
Molecular consequence: nonsense.
Genome position (GRCh38, 1-based): chr6:52,027,880, G>A on the plus strand (C>T on the coding strand, the complement: PKHD1 is on the minus strand). VCF-style: chr6-52027880-G-A. GRCh37 (hg19) VCF-style: chr6-51892678-G-A.
Other names: c.3577C>T (NM_138694.3); c.3577C>T, p.Gln1193Ter (NM_170724.3); short protein forms Q1193*.
Identifiers: ClinVar variation 1958208 (VCV001958208.9), dbSNP rs2532778455, ClinGen allele CA364440115.

ClinVar aggregate classification (germline): Pathogenic/Likely pathogenic. Review status: criteria provided, multiple submitters, no conflicts (2 of 4 stars). 5 submissions from 5 submitters: Pathogenic (2); Likely pathogenic (3). Last evaluated 2025-02-18.

Conditions:
Autosomal recessive polycystic kidney disease (ARPKD). Also called: AR polycystic kidney disease. Identifiers: Orphanet 731, Orphanet 8378, MedGen C0085548, MeSH D017044, MONDO:0009889.
Polycystic kidney disease 4 (PKD4). Also called: POLYCYSTIC KIDNEY DISEASE 4 WITH OR WITHOUT POLYCYSTIC LIVER DISEASE; POLYCYSTIC KIDNEY AND HEPATIC DISEASE 1; POLYCYSTIC KIDNEY DISEASE, INFANTILE, TYPE I; PKD3; Autosomal Recessive Polycystic Kidney Disease – PKHD1. Identifiers: MedGen C4540575, MONDO:0033004, OMIM 263200.

Submissions (5):

Natera, Inc.
Classification: Likely pathogenic for Autosomal recessive polycystic kidney disease. Last evaluated: 2025-02-18. Review status: criteria provided, single submitter. Criteria: Natera Variant Classification Schema (03/2026). Collection method: clinical testing. Allele origin: germline.
Comment: The c.3577C>T variant in PKHD1 is a nonsense variant predicted to introduce a stop codon at amino acid 1193. This variant is expected to result in nonsense mediated decay, truncation, or a dysfunctional protein product. This variant is rare in the general population with a frequency below the threshold expected for the associated phenotype(s). Given the available evidence, this variant is classified as Likely Pathogenic.

Myriad Genetics, Inc.
Classification: Pathogenic for Polycystic kidney disease 4. Last evaluated: 2024-05-08. Review status: criteria provided, single submitter. Criteria: Myriad Autosomal Dominant, Autosomal Recessive and X-Linked Classification Criteria (2023). Collection method: clinical testing. Allele origin: unknown.
Comment: NM_138694.3(PKHD1):c.3577C>T(Q1193*) is expected to be pathogenic in the context of autosomal recessive polycystic kidney disease, PKHD1-related. This variant is predicted to lead to an abnormal or absent protein product due to the creation of a premature termination codon in PKHD1, a gene where loss-of-function variants are known to be pathogenic. Please note: this variant was assessed in the context of healthy population screening.

Fulgent Genetics
Classification: Likely pathogenic for Polycystic kidney disease 4. Last evaluated: 2024-04-18. Review status: criteria provided, single submitter. Criteria: ACMG Guidelines, 2015. Collection method: clinical testing. Allele origin: germline.

Baylor Genetics
Classification: Likely pathogenic for Polycystic kidney disease 4. Last evaluated: 2023-06-28. Review status: criteria provided, single submitter. Criteria: ACMG Guidelines, 2015. Collection method: clinical testing. Allele origin: unknown.

Labcorp Genetics (formerly Invitae), Labcorp
Classification: Pathogenic for Autosomal recessive polycystic kidney disease. Last evaluated: 2023-06-20. Review status: criteria provided, single submitter. Criteria: Invitae Variant Classification Sherloc (09022015). Collection method: clinical testing. Allele origin: germline.
Comment: This sequence change creates a premature translational stop signal (p.Gln1193*) in the PKHD1 gene. It is expected to result in an absent or disrupted protein product. Loss-of-function variants in PKHD1 are known to be pathogenic (PMID: 19940839). This variant is not present in population databases (gnomAD no frequency). This variant has not been reported in the literature in individuals affected with PKHD1-related conditions. ClinVar contains an entry for this variant (Variation ID: 1958208). For these reasons, this variant has been classified as Pathogenic.

Literature cited by the submitters: PubMed 19940839 (cited by Labcorp Genetics (formerly Invitae), Labcorp).